The following is an entry in ClinVar:

ClinVar aggregate classification (germline): Uncertain significance. Review status: criteria provided, multiple submitters, no conflicts (2 of 4 stars). 2 submissions from 2 submitters: Uncertain significance (2). Last evaluated 2025-09-01.

Conditions:
NFKB1-related disorder. Also called: NFKB1-related condition.

Allele frequency attached by ClinVar (database versions not stated): 1000 Genomes Project 0.00060; 1000 Genomes Project 30x 0.00062.

Submissions (2):

Labcorp Genetics (formerly Invitae), Labcorp
Classification: Uncertain significance. Last evaluated: 2025-09-01. Review status: criteria provided, single submitter. Criteria: Invitae Variant Classification Sherloc (09022015). Collection method: clinical testing. Allele origin: germline.
Comment: This sequence change replaces valine, which is neutral and non-polar, with isoleucine, which is neutral and non-polar, at codon 477 of the NFKB1 protein (p.Val477Ile). This variant is present in population databases (rs56147914, gnomAD 0.02%). This variant has not been reported in the literature in individuals affected with NFKB1-related conditions. ClinVar contains an entry for this variant (Variation ID: 1347247). An algorithm developed to predict the effect of missense changes on protein structure and function (PolyPhen-2) suggests that this variant is likely to be tolerated. In summary, the available evidence is currently insufficient to determine the role of this variant in disease. Therefore, it has been classified as a Variant of Uncertain Significance.

PreventionGenetics, part of Exact Sciences
Classification: Uncertain significance for NFKB1-related condition. Last evaluated: 2023-06-02. Review status: criteria provided, single submitter. Criteria: ACMG Guidelines, 2015. Collection method: clinical testing. Allele origin: germline.
Comment: The NFKB1 c.1429G>A variant is predicted to result in the amino acid substitution p.Val477Ile. To our knowledge, this variant has not been reported in the literature. This variant is reported in 0.020% of alleles in individuals of East Asian descent in gnomAD. At this time, the clinical significance of this variant is uncertain due to the absence of conclusive functional and genetic evidence.

NM_003998.4(NFKB1):c.1429G>A (p.Val477Ile)

Gene: NFKB1 (nuclear factor kappa B subunit 1; plus strand). Cytogenetic location: 4q24.
Variant type: single nucleotide variant.
Coding change: c.1429G>A on transcript NM_003998.4 (MANE Select); coding-DNA position 1429, G replaced by A.
Protein change: p.Val477Ile; replaces valine 477 with isoleucine.
Molecular consequence: missense variant.
Genome position (GRCh38, 1-based): chr4:102,596,266, G>A. VCF-style: chr4-102596266-G-A. GRCh37 (hg19) VCF-style: chr4-103517423-G-A.
Other names: c.1429G>A (NM_003998.3); c.1426G>A, p.Val476Ile (NM_001165412.2, NM_001319226.2, NM_001382627.1); c.1429G>A, p.Val477Ile (NM_001382625.1, NM_001382626.1); c.1387G>A, p.Val463Ile (NM_001382628.1); short protein forms V477I, V463I, V476I.
Identifiers: ClinVar variation 1347247 (VCV001347247.8), dbSNP rs56147914, ClinGen allele CA3026152.